The following is an entry in ClinVar:

ClinVar aggregate classification (germline): Likely pathogenic (1 of 4 stars; one submission).

Conditions:
Congenital generalized lipodystrophy type 4. Also called: BERARDINELLI-SEIP CONGENITAL LIPODYSTROPHY, TYPE 4, WITH MUSCULAR DYSTROPHY. Identifiers: Orphanet 228429, MedGen C2750069, MONDO:0013225, OMIM 613327.

Submission:

Neuberg Centre For Genomic Medicine, NCGM
Classification: Likely pathogenic for Congenital generalized lipodystrophy type 4. Review status: criteria provided, single submitter. Criteria: ACMG Guidelines, 2015. Collection method: clinical testing. Allele origin: germline. Inheritance: Autosomal recessive inheritance. Affected: yes.
Comment: The stop gained c.512C>A p.Ser171Ter variant in CAVIN1 gene has not been reported previously as a pathogenic variant nor as a benign variant, to our knowledge. The p.Ser171Ter variant is novel not in any individuals in gnomAD Exomes and is novel not in any individuals in 1000 Genomes. This variant has not been reported to the ClinVar database. The nucleotide change c.512C>A in CAVIN1 is predicted as conserved by GERP++ and PhyloP across 100 vertebrates. This variant is predicted to cause loss of normal protein function through protein truncation. Loss of function variants have been previously reported to be disease causing. For these reasons, this variant has been classified as Likely Pathogenic.

NM_012232.6(CAVIN1):c.512C>A (p.Ser171Ter)

Gene: CAVIN1 (caveolae associated protein 1; minus strand). Cytogenetic location: 17q21.2.
Variant type: single nucleotide variant.
Coding change: c.512C>A on transcript NM_012232.6 (MANE Select); coding-DNA position 512, C replaced by A.
Protein change: p.Ser171Ter; replaces serine 171 with a stop codon.
Molecular consequence: nonsense.
Genome position (GRCh38, 1-based): chr17:42,405,348, G>T on the plus strand (C>A on the coding strand, the complement: CAVIN1 is on the minus strand). VCF-style: chr17-42405348-G-T. GRCh37 (hg19) VCF-style: chr17-40557366-G-T.
Other names: short protein forms S171*.
Identifiers: ClinVar variation 3236450 (VCV003236450.2), dbSNP rs2509863445, ClinGen allele CA399586210.